The following is an entry in ClinVar:

ClinVar aggregate classification (germline): Uncertain significance (1 of 4 stars; one submission).

Allele frequency attached by ClinVar (database versions not stated): gnomAD exomes below 0.00001 and 0.00001; ExAC 0.00001; gnomAD 0.00001; TOPMed 0.00001.
gnomAD v4.1: 2 of 1,614,122 alleles (0.00012%); highest among the groups gnomAD compares: Non-Finnish European, 0.00017%; no homozygotes.

Submission:

Labcorp Genetics (formerly Invitae), Labcorp
Classification: Uncertain significance. Last evaluated: 2021-08-26. Review status: criteria provided, single submitter. Criteria: Invitae Variant Classification Sherloc (09022015). Collection method: clinical testing. Allele origin: germline.
Comment: This variant has not been reported in the literature in individuals affected with NCSTN-related conditions. This variant is present in population databases (rs746349344, ExAC 0.001%). This sequence change replaces leucine with valine at codon 501 of the NCSTN protein (p.Leu501Val). The leucine residue is moderately conserved and there is a small physicochemical difference between leucine and valine. Algorithms developed to predict the effect of missense changes on protein structure and function are either unavailable or do not agree on the potential impact of this missense change (SIFT: "Tolerated"; PolyPhen-2: "Possibly Damaging"; Align-GVGD: "Class C0"). In summary, the available evidence is currently insufficient to determine the role of this variant in disease. Therefore, it has been classified as a Variant of Uncertain Significance.

NM_015331.3(NCSTN):c.1501C>G (p.Leu501Val)

Gene: NCSTN (nicastrin; plus strand). Cytogenetic location: 1q23.2.
Variant type: single nucleotide variant.
Coding change: c.1501C>G on transcript NM_015331.3 (MANE Select); coding-DNA position 1501, C replaced by G.
Protein change: p.Leu501Val; replaces leucine 501 with valine.
Molecular consequence: missense variant.
Genome position (GRCh38, 1-based): chr1:160,355,908, C>G. VCF-style: chr1-160355908-C-G. GRCh37 (hg19) VCF-style: chr1-160325698-C-G.
Other names: c.1441C>G, p.Leu481Val (NM_001290184.2); c.1087C>G, p.Leu363Val (NM_001290186.2); c.1501C>G, p.Leu501Val (NM_001349729.2); short protein forms L363V, L481V, L501V.
Identifiers: ClinVar variation 1348841 (VCV001348841.6), dbSNP rs746349344, ClinGen allele CA1199022.
Genomic context (GRCh38, chr1:160,355,908, plus strand): 5'-CCTCACCTACCACAGGCCCTGGCAGATGTGGCCACGGTGCTGGGACGTGCTCTGTATGAG[C>G]TTGCAGGAGGAACCAACTTCAGCGACACAGTTCAGGCTGATCCCCAAACGGTAAGCAGAT-3'
Protein context (NP_056146.1, residues 491-511): ATVLGRALYE[Leu501Val]AGGTNFSDTV